The following is an entry in ClinVar:

NM_002458.3(MUC5B):c.15368C>T (p.Ala5123Val)

Gene: MUC5B (mucin 5B, oligomeric mucus/gel-forming; plus strand). Cytogenetic location: 11p15.5.
Variant type: single nucleotide variant.
Coding change: c.15368C>T on transcript NM_002458.3 (MANE Select); coding-DNA position 15368, C replaced by T.
Protein change: p.Ala5123Val; replaces alanine 5123 with valine.
Molecular consequence: missense variant.
Genome position (GRCh38, 1-based): chr11:1,254,242, C>T. VCF-style: chr11-1254242-C-T. GRCh37 (hg19) VCF-style: chr11-1275472-C-T.
Other names: short protein forms A5123V.
Identifiers: ClinVar variation 2391292 (VCV002391292.27), dbSNP rs201591679, ClinGen allele CA5809037.

ClinVar aggregate classification (germline): Conflicting classifications of pathogenicity. Review status: criteria provided, conflicting classifications (1 of 4 stars). 2 submissions from 2 submitters: Uncertain significance (1); Benign (1). Last evaluated 2025-08-08.

Allele frequency attached by ClinVar (database versions not stated): 1000 Genomes Project 30x 0.00016; 1000 Genomes Project 0.00020; ESP Exome Variant Server 0.00116; TOPMed 0.00128; ExAC 0.00134; gnomAD 0.00156; gnomAD exomes 0.00179.
gnomAD v4.1: 2,851 of 1,612,596 alleles (0.18%); highest among the groups gnomAD compares: Non-Finnish European, 0.2%; 6 homozygotes.

Submissions (2):

Ambry Genetics
Classification: Uncertain significance. Last evaluated: 2025-08-08. Review status: criteria provided, single submitter. Criteria: Ambry Variant Classification Scheme 2023. Collection method: clinical testing. Allele origin: germline.

CeGaT Center for Human Genetics Tuebingen
Classification: Benign. Last evaluated: 2023-01-01. Review status: criteria provided, single submitter. Criteria: CeGaT Center For Human Genetics Tuebingen Variant Classification Criteria Version 2. Collection method: clinical testing. Allele origin: germline. Affected: yes. Observed: 1 variant allele.
Comment: MUC5B: BP4, BS1, BS2